The following is an entry in ClinVar:

ClinVar aggregate classification (germline): Likely benign. Review status: criteria provided, single submitter (1 of 4 stars). 2 submissions from 2 submitters: Likely benign (1). 1 of the submissions does not count toward it. Last evaluated 2026-01-26.

Conditions:
SRCAP-related disorder. Also called: SRCAP-related condition.

Allele frequency attached by ClinVar (database versions not stated): 1000 Genomes Project 30x 0.00031; 1000 Genomes Project 0.00040; TOPMed 0.00003; ExAC 0.00006; gnomAD 0.00006.
gnomAD v4.1: 24 of 1,613,538 alleles (0.0015%); highest among the groups gnomAD compares: East Asian, 0.04%; no homozygotes.

Submissions (2):

Labcorp Genetics (formerly Invitae), Labcorp
Classification: Likely benign. Last evaluated: 2026-01-26. Review status: criteria provided, single submitter. Criteria: Invitae Variant Classification Sherloc (09022015). Collection method: clinical testing. Allele origin: germline.

PreventionGenetics, part of Exact Sciences
Classification: Likely benign for SRCAP-related condition. Last evaluated: 2020-09-17. Review status: no assertion criteria provided. Collection method: clinical testing. Allele origin: germline. Not counted in ClinVar's aggregate classification.
Comment: This variant is classified as likely benign based on ACMG/AMP sequence variant interpretation guidelines (Richards et al. 2015 PMID: 25741868, with internal and published modifications).

NM_006662.3(SRCAP):c.4203C>G (p.Leu1401=)

Gene: SRCAP (Snf2 related CREBBP activator protein; plus strand). Cytogenetic location: 16p11.2.
Variant type: single nucleotide variant.
Coding change: c.4203C>G on transcript NM_006662.3 (MANE Select); coding-DNA position 4203, C replaced by G.
Protein change: p.Leu1401=; no amino-acid change (leucine 1401 retained).
Molecular consequence: synonymous variant.
Genome position (GRCh38, 1-based): chr16:30,723,627, C>G. VCF-style: chr16-30723627-C-G. GRCh37 (hg19) VCF-style: chr16-30734948-C-G.
Other names: c.4203C>G (NM_006662.2).
Identifiers: ClinVar variation 2069630 (VCV002069630.6), dbSNP rs183580316, ClinGen allele CA8011703.